The following is an entry in ClinVar:

NC_000017.10:g.(?_73942829)_(73975154_?)del

Gene: ACOX1 (acyl-CoA oxidase 1; minus strand). Cytogenetic location: 17q25.1.
Variant type: Deletion.
Identifiers: ClinVar variation 3243037 (VCV003243037.1).

ClinVar aggregate classification (germline): Pathogenic (1 of 4 stars; one submission).

Conditions:
Acyl-CoA oxidase deficiency. Also called: STRAIGHT-CHAIN ACYL-CoA OXIDASE DEFICIENCY; Pseudoneonatal adrenoleukodystrophy; Peroxisomal acyl-CoA oxidase deficiency. Identifiers: Orphanet 2971, MedGen C1849678, MONDO:0009919, OMIM 264470. Disease mechanism: loss of function.

Submission:

Labcorp Genetics (formerly Invitae), Labcorp
Classification: Pathogenic for Acyl-CoA oxidase deficiency. Last evaluated: 2023-04-12. Review status: criteria provided, single submitter. Criteria: Invitae Variant Classification Sherloc (09022015). Collection method: clinical testing. Allele origin: unknown.
Comment: For these reasons, this variant has been classified as Pathogenic. This variant has not been reported in the literature in individuals affected with ACOX1-related conditions. A gross deletion of the genomic region encompassing the full coding sequence of the ACOX1 gene has been identified. Loss-of-function variants in ACOX1 are known to be pathogenic (PMID: 8040306, 17458872). The boundaries of this event are unknown as they extend beyond the assayed region for this gene and therefore may encompass additional genes.

Literature cited by the submitters: PubMed 8040306; PubMed 17458872.